The following is an entry in ClinVar:

ClinVar aggregate classification (germline): Uncertain significance (1 of 4 stars; one submission).

gnomAD v4.1: 2 of 1,611,002 alleles (0.00012%); highest among the groups gnomAD compares: East Asian, 0.0045%; no homozygotes.

Submission:

Labcorp Genetics (formerly Invitae), Labcorp
Classification: Uncertain significance. Last evaluated: 2025-01-16. Review status: criteria provided, single submitter. Criteria: Invitae Variant Classification Sherloc (09022015). Collection method: clinical testing. Allele origin: germline.
Comment: This sequence change replaces alanine, which is neutral and non-polar, with threonine, which is neutral and polar, at codon 898 of the SLC12A1 protein (p.Ala898Thr). The frequency data for this variant in the population databases is considered unreliable, as metrics indicate poor data quality at this position in the gnomAD database. This variant has not been reported in the literature in individuals affected with SLC12A1-related conditions. Invitae Evidence Modeling of protein sequence and biophysical properties (such as structural, functional, and spatial information, amino acid conservation, physicochemical variation, residue mobility, and thermodynamic stability) has been performed for this missense variant. However, the output from this modeling did not meet the statistical confidence thresholds required to predict the impact of this variant on SLC12A1 protein function. In summary, the available evidence is currently insufficient to determine the role of this variant in disease. Therefore, it has been classified as a Variant of Uncertain Significance.

NM_000338.3(SLC12A1):c.2692G>A (p.Ala898Thr)

Gene: SLC12A1 (solute carrier family 12 member 1; plus strand). Cytogenetic location: 15q21.1.
Variant type: single nucleotide variant.
Coding change: c.2692G>A on transcript NM_000338.3 (MANE Select); coding-DNA position 2692, G replaced by A.
Protein change: p.Ala898Thr; replaces alanine 898 with threonine.
Molecular consequence: missense variant.
Genome position (GRCh38, 1-based): chr15:48,288,105, G>A. VCF-style: chr15-48288105-G-A. GRCh37 (hg19) VCF-style: chr15-48580302-G-A.
Other names: c.2692G>A, p.Ala898Thr (NM_001184832.2, NM_001384136.1); short protein forms A898T.
Identifiers: ClinVar variation 3692400 (VCV003692400.2).